The following is an entry in ClinVar:

NM_001376.5(DYNC1H1):c.12275+9G>C

Gene: DYNC1H1 (dynein cytoplasmic 1 heavy chain 1; plus strand). Cytogenetic location: 14q32.31.
Variant type: single nucleotide variant.
Coding change: c.12275+9G>C on transcript NM_001376.5 (MANE Select); 9 bases into the intron after coding-DNA position 12275, G replaced by C.
Molecular consequence: intron variant.
Genome position (GRCh38, 1-based): chr14:102,042,297, G>C. VCF-style: chr14-102042297-G-C. GRCh37 (hg19) VCF-style: chr14-102508634-G-C.
Identifiers: ClinVar variation 508912 (VCV000508912.8), dbSNP rs569139993, ClinGen allele CA7353878.

ClinVar aggregate classification (germline): Likely benign. Review status: criteria provided, multiple submitters, no conflicts (2 of 4 stars). 3 submissions from 3 submitters: Likely benign (3). Last evaluated 2024-03-07.

Conditions:
Charcot-Marie-Tooth disease axonal type 2O. Also called: Charcot-Marie-Tooth disease, axonal, type 20; CHARCOT-MARIE-TOOTH NEUROPATHY, AXONAL, TYPE 2O; CHARCOT-MARIE-TOOTH DISEASE, AXONAL, AUTOSOMAL DOMINANT, TYPE 2O; Charcot-Marie-Tooth Neuropathy Type 2O. Identifiers: Orphanet 284232, MedGen C3280220, MONDO:0013644, OMIM 614228.

Allele frequency attached by ClinVar (database versions not stated): gnomAD below 0.00001 and 0.00001; 1000 Genomes Project 0.00020; ExAC 0.00011; 1000 Genomes Project 30x 0.00016.

Submissions (3):

Women's Health and Genetics/Laboratory Corporation of America, LabCorp
Classification: Likely benign. Last evaluated: 2024-03-07. Review status: criteria provided, single submitter. Criteria: LabCorp Variant Classification Summary - May 2015. Collection method: clinical testing. Allele origin: germline.

Labcorp Genetics (formerly Invitae), Labcorp
Classification: Likely benign for Charcot-Marie-Tooth disease axonal type 2O. Last evaluated: 2023-10-06. Review status: criteria provided, single submitter. Criteria: Invitae Variant Classification Sherloc (09022015). Collection method: clinical testing. Allele origin: germline.

GeneDx
Classification: Likely benign. Last evaluated: 2017-04-18. Review status: criteria provided, single submitter. Criteria: GeneDx Variant Classification (06012015). Collection method: clinical testing. Allele origin: germline. Affected: yes.
Comment: This variant is considered likely benign or benign based on one or more of the following criteria: it is a conservative change, it occurs at a poorly conserved position in the protein, it is predicted to be benign by multiple in silico algorithms, and/or has population frequency not consistent with disease.